The following is an entry in ClinVar:

NM_002439.5(MSH3):c.2228A>T (p.Gln743Leu)

Gene: MSH3 (mutS homolog 3; plus strand). Cytogenetic location: 5q14.1.
Variant type: single nucleotide variant.
Coding change: c.2228A>T on transcript NM_002439.5 (MANE Select); coding-DNA position 2228, A replaced by T.
Protein change: p.Gln743Leu; replaces glutamine 743 with leucine.
Molecular consequence: missense variant.
Genome position (GRCh38, 1-based): chr5:80,768,978, A>T. VCF-style: chr5-80768978-A-T. GRCh37 (hg19) VCF-style: chr5-80064797-A-T.
Other names: c.2228A>T (NM_002439.3); short protein forms Q743L.
Identifiers: ClinVar variation 959959 (VCV000959959.10), dbSNP rs1744171476, ClinGen allele CA360279724.

ClinVar aggregate classification (germline): Uncertain significance. Review status: criteria provided, multiple submitters, no conflicts (2 of 4 stars). 2 submissions from 2 submitters: Uncertain significance (2). Last evaluated 2025-10-07.

Conditions:
Hereditary cancer-predisposing syndrome. Also called: Tumor predisposition; Hereditary neoplastic syndrome; Neoplastic Syndromes, Hereditary; Hereditary Cancer Syndrome. Identifiers: Orphanet 140162, MedGen C0027672, MeSH D009386, MONDO:0015356.

gnomAD v4.1: 1 of 1,613,022 alleles (0.000062%); highest among the groups gnomAD compares: African/African-American, 0.0013%; no homozygotes.

Submissions (2):

Labcorp Genetics (formerly Invitae), Labcorp
Classification: Uncertain significance. Last evaluated: 2025-10-07. Review status: criteria provided, single submitter. Criteria: Invitae Variant Classification Sherloc (09022015). Collection method: clinical testing. Allele origin: germline.
Comment: This sequence change replaces glutamine, which is neutral and polar, with leucine, which is neutral and non-polar, at codon 743 of the MSH3 protein (p.Gln743Leu). This variant is not present in population databases (gnomAD no frequency). This variant has not been reported in the literature in individuals affected with MSH3-related conditions. ClinVar contains an entry for this variant (Variation ID: 959959). An algorithm developed to predict the effect of missense changes on protein structure and function (PolyPhen-2) suggests that this variant is likely to be tolerated. In summary, the available evidence is currently insufficient to determine the role of this variant in disease. Therefore, it has been classified as a Variant of Uncertain Significance.

Ambry Genetics
Classification: Uncertain significance for Hereditary cancer-predisposing syndrome. Last evaluated: 2024-05-27. Review status: criteria provided, single submitter. Criteria: Ambry Variant Classification Scheme 2023. Collection method: clinical testing. Allele origin: germline.
Comment: The p.Q743L variant (also known as c.2228A>T), located in coding exon 15 of the MSH3 gene, results from an A to T substitution at nucleotide position 2228. The glutamine at codon 743 is replaced by leucine, an amino acid with dissimilar properties. This amino acid position is conserved. In addition, the in silico prediction for this alteration is inconclusive. Based on the available evidence, the clinical significance of this variant remains unclear.